The following is an entry in ClinVar:

ClinVar aggregate classification (germline): Pathogenic (1 of 4 stars; one submission).

Submission:

Quest Diagnostics Nichols Institute San Juan Capistrano
Classification: Pathogenic. Last evaluated: 2021-11-09. Review status: criteria provided, single submitter. Criteria: ACMG/ClinGen CNV Guidelines, 2019. Collection method: clinical testing. Allele origin: unknown.
Comment: The 6p deletion involves numerous genes. The clinical phenotype of patients with 6p22.3 deletions includes developmental delay, intellectual disability, autism, brain-, heart-, and kidney defects, eye abnormalities, short neck, craniofacial malformations, hypotonia, as well as clinodactyly or syndactyly. REFERENCES: Bremer A et al., An interstitial deletion of 7.1Mb in chromosomeband 6p22.3 associated with developmental delay and dysmorphicfeatures including heart defects, short neck, and eye abnormalities.Eur J Med Genet. Sep-Oct 2009;52(5):358-62. PMID: 19576304 Baroy T et al., Haploinsufficiency of two histone modifier genes on 6p22.3, ATXN1 and JARID2, is associated with intellectual disability Orphanet J Rare Dis. 2013 Jan 7;8:3. PMID: 23294540 Di Benedetto D et al., 6p22.3 deletion: report of a patient with autism, severe intellectual disability and electroencephalographic anomalies. Mol Cytogenet. 2013 Jan 17;6(1):4. PMID: 23324214

GRCh37/hg19 6p24.1-22.3(chr6:12005630-22849647)x1

Genes: ATXN1 (ataxin 1; minus strand), CAP2 (cyclase associated actin cytoskeleton regulatory protein 2; plus strand), CD83 (CD83 molecule; plus strand), CDKAL1 (CDK5 regulatory subunit associated protein 1 like 1; plus strand), DEK (DEK proto-oncogene; minus strand) and 29 more. Cytogenetic location: 6p24.1-22.3.
Variant type: copy number loss.
Change: copy number 1 (one copy instead of two) of chr6:12,005,630-22,849,647 (10.84 Mb, GRCh37 coordinates, 1-based), cytogenetic band 6p24.1-22.3.
Identifiers: ClinVar variation 1809386 (VCV001809386.1).